The following is an entry in ClinVar:

NM_032229.3(SLITRK6):c.2449A>G (p.Lys817Glu)

Gene: SLITRK6 (SLIT and NTRK like family member 6; minus strand). Cytogenetic location: 13q31.1.
Variant type: single nucleotide variant.
Coding change: c.2449A>G on transcript NM_032229.3 (MANE Select); coding-DNA position 2449, A replaced by G.
Protein change: p.Lys817Glu; replaces lysine 817 with glutamic acid.
Molecular consequence: missense variant.
Genome position (GRCh38, 1-based): chr13:85,794,060, T>C on the plus strand (A>G on the coding strand, the complement: SLITRK6 is on the minus strand). VCF-style: chr13-85794060-T-C. GRCh37 (hg19) VCF-style: chr13-86368195-T-C.
Other names: c.2449A>G (NM_032229.2); short protein forms K817E.
Identifiers: ClinVar variation 1492137 (VCV001492137.11), dbSNP rs375486226, ClinGen allele CA7014894.

ClinVar aggregate classification (germline): Uncertain significance. Review status: criteria provided, multiple submitters, no conflicts (2 of 4 stars). 4 submissions from 4 submitters: Uncertain significance (4). Last evaluated 2026-07-21.

Conditions:
Inborn genetic diseases. Identifiers: MedGen C0950123, MeSH D030342.

Allele frequency attached by ClinVar (database versions not stated): ExAC 0.00009; gnomAD exomes 0.00014 and 0.00016; TOPMed 0.00017; gnomAD 0.00018; ESP Exome Variant Server 0.00025.
gnomAD v4.1: 260 of 1,612,370 alleles (0.016%); highest among the groups gnomAD compares: Middle Eastern, 0.082%; no homozygotes.

Submissions (4):

GeneDx
Classification: Uncertain significance. Last evaluated: 2026-07-21. Review status: criteria provided, single submitter. Criteria: GeneDx Variant Classification Process June 2021. Collection method: clinical testing. Allele origin: germline.
Comment: In silico analysis suggests that this missense variant does not alter protein structure/function; Has not been previously published as pathogenic or benign to our knowledge

Ambry Genetics
Classification: Uncertain significance for Inborn genetic diseases. Last evaluated: 2025-09-05. Review status: criteria provided, single submitter. Criteria: Ambry Variant Classification Scheme 2023. Collection method: clinical testing. Allele origin: germline.

Labcorp Genetics (formerly Invitae), Labcorp
Classification: Uncertain significance. Last evaluated: 2024-11-05. Review status: criteria provided, single submitter. Criteria: Invitae Variant Classification Sherloc (09022015). Collection method: clinical testing. Allele origin: germline.
Comment: This sequence change replaces lysine, which is basic and polar, with glutamic acid, which is acidic and polar, at codon 817 of the SLITRK6 protein (p.Lys817Glu). This variant is present in population databases (rs375486226, gnomAD 0.04%). This variant has not been reported in the literature in individuals affected with SLITRK6-related conditions. ClinVar contains an entry for this variant (Variation ID: 1492137). An algorithm developed to predict the effect of missense changes on protein structure and function (PolyPhen-2) suggests that this variant is likely to be disruptive. In summary, the available evidence is currently insufficient to determine the role of this variant in disease. Therefore, it has been classified as a Variant of Uncertain Significance.

Blueprint Genetics
Classification: Uncertain significance. Last evaluated: 2024-09-12. Review status: criteria provided, single submitter. Criteria: ACMG Guidelines, 2015. Collection method: clinical testing. Allele origin: germline.